The following is an entry in ClinVar:

ClinVar aggregate classification (germline): Pathogenic (1 of 4 stars; one submission).

Conditions:
Ataxia-telangiectasia syndrome (AT). Also called: Ataxia-telangiectasia, complementation group E; Cerebello-oculocutaneous telangiectasia; Immunodeficiency with ataxia telangiectasia; Ataxia-telangiectasia, complementation group D; AT, COMPLEMENTATION GROUP C; Ataxia-telangiectasia. Identifiers: Orphanet 100, MedGen C0004135, MONDO:0008840, OMIM 208900.

Submission:

Labcorp Genetics (formerly Invitae), Labcorp
Classification: Pathogenic for Ataxia-telangiectasia syndrome. Last evaluated: 2019-11-23. Review status: criteria provided, single submitter. Criteria: Invitae Variant Classification Sherloc (09022015). Collection method: clinical testing. Allele origin: germline.
Comment: Loss-of-function variants in ATM are known to be pathogenic (PMID: 23807571, 25614872). This variant has not been reported in the literature in individuals with ATM-related conditions. This variant is not present in population databases (ExAC no frequency). This sequence change creates a premature translational stop signal (p.Leu1614*) in the ATM gene. It is expected to result in an absent or disrupted protein product. For these reasons, this variant has been classified as Pathogenic.

Literature cited by the submitters: PubMed 23807571; PubMed 25614872.

NM_000051.4(ATM):c.4840del (p.Gly1613_Leu1614insTer)

Gene: ATM (ATM serine/threonine kinase; plus strand). Cytogenetic location: 11q22.3.
Variant type: Deletion.
Coding change: c.4840del on transcript NM_000051.4 (MANE Select); coding-DNA position 4840, one base deleted (C; older notation c.4840delC).
Protein change: p.Gly1613_Leu1614insTer.
Molecular consequence: nonsense.
Genome position (GRCh38, 1-based): chr11:108,294,990, C deleted. VCF-style (leftmost placement, unchanged base first): chr11-108294989-AC-A. GRCh37 (hg19) VCF-style: chr11-108165716-AC-A.
Other names: c.4840del, p.Gly1613_Leu1614insTer (NM_001351834.2).
Identifiers: ClinVar variation 853534 (VCV000853534.7), dbSNP rs2083039160, ClinGen allele CA916080481.